The following is an entry in ClinVar:

ClinVar aggregate classification (germline): Likely benign. Review status: criteria provided, multiple submitters, no conflicts (2 of 4 stars). 5 submissions from 5 submitters: Likely benign (5). Last evaluated 2026-08-19.

Conditions:
MYH6-related disorder. Also called: MYH6-Related Disorders; MYH6-related condition.
Cardiovascular phenotype. Identifiers: MedGen CN230736.
Hypertrophic cardiomyopathy 14. Identifiers: MedGen C2750467, MONDO:0013197, OMIM 613251.
Cardiomyopathy (CMYO). Also called: Cardiomyopathies. Identifiers: Orphanet 167848, MedGen C0878544, MONDO:0004994, HP:0001638. Inheritance: Various modes of inheritance.

Allele frequency attached by ClinVar (database versions not stated): TOPMed 0.00001; gnomAD 0.00003.
gnomAD v4.1: 62 of 1,613,646 alleles (0.0038%); highest among the groups gnomAD compares: Admixed American, 0.005%; no homozygotes.

Submissions (5):

PreventionGenetics, part of Exact Sciences
Classification: Likely benign for MYH6-related condition. Last evaluated: 2026-08-19. Review status: criteria provided, single submitter. Criteria: ACMG Guidelines, 2015. Collection method: clinical testing. Allele origin: germline.
Comment: This variant is classified as likely benign based on ACMG/AMP sequence variant interpretation guidelines (Richards et al. 2015 PMID: 25741868, with internal and published modifications).

Ambry Genetics
Classification: Likely benign for Cardiovascular phenotype. Last evaluated: 2026-04-15. Review status: criteria provided, single submitter. Criteria: Ambry Variant Classification Scheme 2023. Collection method: clinical testing. Allele origin: germline.

Labcorp Genetics (formerly Invitae), Labcorp
Classification: Likely benign for Hypertrophic cardiomyopathy 14. Last evaluated: 2025-08-24. Review status: criteria provided, single submitter. Criteria: Invitae Variant Classification Sherloc (09022015). Collection method: clinical testing. Allele origin: germline.

ARUP Laboratories, Molecular Genetics and Genomics, ARUP Laboratories
Classification: Likely benign. Last evaluated: 2020-05-05. Review status: criteria provided, single submitter. Criteria: ARUP Molecular Germline Variant Investigation Process. Collection method: clinical testing. Allele origin: germline.

CHEO Genetics Diagnostic Laboratory, Children's Hospital of Eastern Ontario
Classification: Likely benign for Cardiomyopathy. Last evaluated: 2020-01-02. Review status: criteria provided, single submitter. Criteria: ACMG Guidelines, 2015. Collection method: clinical testing. Allele origin: germline.

NM_002471.4(MYH6):c.4140C>T (p.Asp1380=)

Gene: MYH6 (myosin heavy chain 6; minus strand). Cytogenetic location: 14q11.2.
Variant type: single nucleotide variant.
Coding change: c.4140C>T on transcript NM_002471.4 (MANE Select); coding-DNA position 4140, C replaced by T.
Protein change: p.Asp1380=; no amino-acid change (aspartic acid 1380 retained).
Molecular consequence: synonymous variant.
Genome position (GRCh38, 1-based): chr14:23,388,894, G>A on the plus strand (C>T on the coding strand, the complement: MYH6 is on the minus strand). VCF-style: chr14-23388894-G-A. GRCh37 (hg19) VCF-style: chr14-23858103-G-A.
Identifiers: ClinVar variation 537974 (VCV000537974.22), dbSNP rs199672166, ClinGen allele CA7114918.
Genomic context (GRCh38, chr14:23,388,894, plus strand): 5'-GGTTAAGGGGGTATCTGGAGCTCACTTGGCCTCTTCGAGCTCCTCAGTCCGCTGAATGGC[G>A]TCCGTCTCATACTTGGTCCTCCACTGGGCCACCTCCGAGTTGGCCTTGGACAGGACGCGC-3'
Protein context (NP_002462.2, residues 1370-1390): VAQWRTKYET[Asp1380=]AIQRTEELEE